The following is an entry in ClinVar:

ClinVar aggregate classification (germline): Benign/Likely benign. Review status: criteria provided, multiple submitters, no conflicts (2 of 4 stars). 9 submissions from 9 submitters: Benign (7); Likely benign (2). Last evaluated 2026-01-05.

Conditions:
Charcot-Marie-Tooth disease type 4. Also called: Charcot-Marie-Tooth, Type 4; Charcot-Marie-Tooth disease, type IV. Identifiers: Orphanet 64749, MedGen C4082197, MONDO:0018995.
Inborn genetic diseases. Identifiers: MedGen C0950123, MeSH D030342.
Charcot-Marie-Tooth disease. Also called: Charcot-Marie-Tooth Neuropathy; Charcot-Marie-Tooth Hereditary Neuropathy. Identifiers: Orphanet 166, MedGen C0007959, MONDO:0015626.
Dejerine-Sottas disease. Also called: DEJERINE-SOTTAS NEUROPATHY; HEREDITARY MOTOR AND SENSORY NEUROPATHY TYPE III; HMSN Type III; Hereditary motor and sensory neuropathy 3; Charcot-Marie-Tooth disease type 3. Identifiers: Orphanet 64748, MedGen C0011195, MONDO:0007790, OMIM 145900.
Charcot-Marie-Tooth disease type 4F. Also called: Charcot-Marie-Tooth disease, demyelinating, type 4F. Identifiers: Orphanet 99952, MedGen C3540453, MONDO:0013959, OMIM 614895.

Allele frequency attached by ClinVar (database versions not stated): gnomAD exomes 0.00144; ExAC 0.00182; ESP Exome Variant Server 0.00500; gnomAD 0.00525 and 0.00551; TOPMed 0.00591; 1000 Genomes Project 0.00679; 1000 Genomes Project 30x 0.00750.
gnomAD v4.1: 1,686 of 1,614,056 alleles (0.1%); highest among the groups gnomAD compares: African/African-American, 1.8%; 12 homozygotes.

Submissions (9):

Labcorp Genetics (formerly Invitae), Labcorp
Classification: Benign for Charcot-Marie-Tooth disease type 4. Last evaluated: 2026-01-05. Review status: criteria provided, single submitter. Criteria: Invitae Variant Classification Sherloc (09022015). Collection method: clinical testing. Allele origin: germline.

ARUP Laboratories, Molecular Genetics and Genomics, ARUP Laboratories
Classification: Benign. Last evaluated: 2022-03-18. Review status: criteria provided, single submitter. Criteria: ARUP Molecular Germline Variant Investigation Process 2021. Collection method: clinical testing. Allele origin: germline.

Fulgent Genetics
Classification: Benign for Dejerine-Sottas disease; Charcot-Marie-Tooth disease type 4F. Last evaluated: 2021-08-16. Review status: criteria provided, single submitter. Criteria: ACMG Guidelines, 2015. Collection method: clinical testing. Allele origin: unknown.

Ambry Genetics
Classification: Likely benign for Inborn genetic diseases. Last evaluated: 2019-07-11. Review status: criteria provided, single submitter. Criteria: Ambry Variant Classification Scheme 2023. Collection method: clinical testing. Allele origin: germline.

Athena Diagnostics
Classification: Benign. Last evaluated: 2018-05-04. Review status: criteria provided, single submitter. Criteria: Athena Diagnostics Criteria. Collection method: clinical testing. Allele origin: germline.

Illumina Laboratory Services, Illumina
Classification: Benign for Charcot-Marie-Tooth disease type 4F. Last evaluated: 2018-01-13. Review status: criteria provided, single submitter. Criteria: ICSL Variant Classification Criteria 13 December 2019. Collection method: clinical testing. Allele origin: germline.
Comment: This variant was observed in the ICSL laboratory as part of a predisposition screen in an ostensibly healthy population. It had not been previously curated by ICSL or reported in the Human Gene Mutation Database (HGMD: prior to June 1st, 2018), and was therefore a candidate for classification through an automated scoring system. Utilizing variant allele frequency, disease prevalence and penetrance estimates, and inheritance mode, an automated score was calculated to assess if this variant is too frequent to cause the disease. Based on the score and internal cut-off values, a variant classified as benign is not then subjected to further curation. The score for this variant resulted in a classification of benign for this disease.

GeneDx
Classification: Benign. Last evaluated: 2017-04-03. Review status: criteria provided, single submitter. Criteria: GeneDx Variant Classification (06012015). Collection method: clinical testing. Allele origin: germline. Affected: yes.
Comment: This variant is considered likely benign or benign based on one or more of the following criteria: it is a conservative change, it occurs at a poorly conserved position in the protein, it is predicted to be benign by multiple in silico algorithms, and/or has population frequency not consistent with disease.

Mayo Clinic Laboratories, Mayo Clinic
Classification: Benign. Last evaluated: 2017-02-07. Review status: criteria provided, single submitter. Criteria: ACMG Guidelines, 2015. Collection method: clinical testing. Allele origin: germline. Observed: 6 variant alleles.

Molecular Genetics Laboratory, London Health Sciences Centre
Classification: Likely benign for Charcot-Marie-Tooth disease. Review status: criteria provided, single submitter. Criteria: ACMG Guidelines, 2015. Collection method: clinical testing. Allele origin: germline. Affected: yes.

NM_181882.3(PRX):c.1281C>T (p.Ile427=)

Gene: PRX (periaxin; minus strand). Cytogenetic location: 19q13.2.
Variant type: single nucleotide variant.
Coding change: c.1281C>T on transcript NM_181882.3 (MANE Select); coding-DNA position 1281, C replaced by T.
Protein change: p.Ile427=; no amino-acid change (isoleucine 427 retained).
Molecular consequence: synonymous variant. On other transcripts: 3 prime UTR variant (1).
Genome position (GRCh38, 1-based): chr19:40,397,071, G>A on the plus strand (C>T on the coding strand, the complement: PRX is on the minus strand). VCF-style: chr19-40397071-G-A. GRCh37 (hg19) VCF-style: chr19-40902978-G-A.
Other names: p.Ile427=; c.*1486C>T (NM_020956.2).
Identifiers: ClinVar variation 329277 (VCV000329277.30), dbSNP rs76960467, ClinGen allele CA9444293.